The following is an entry in ClinVar:

ClinVar aggregate classification (germline): Uncertain significance (1 of 4 stars; one submission).

Conditions:
Ehlers-Danlos syndrome, classic type, 1 (EDSCL1). Also called: EHLERS-DANLOS SYNDROME, GRAVIS TYPE; EHLERS-DANLOS SYNDROME, SEVERE CLASSIC TYPE; Ehlers-Danlos syndrome, type 1; Ehlers-Danlos Syndrome, Classic Type, COL5A1-Related; EDS I. Identifiers: MedGen C0268335, MONDO:0019567, OMIM 130000.

Allele frequency attached by ClinVar (database versions not stated): gnomAD exomes below 0.00001.
gnomAD v4.1: 2 of 1,614,082 alleles (0.00012%); highest among the groups gnomAD compares: Middle Eastern, 0.016%; no homozygotes.

Submission:

Labcorp Genetics (formerly Invitae), Labcorp
Classification: Uncertain significance for Ehlers-Danlos syndrome, classic type, 1. Last evaluated: 2025-10-15. Review status: criteria provided, single submitter. Criteria: Invitae Variant Classification Sherloc (09022015). Collection method: clinical testing. Allele origin: germline.
Comment: This sequence change replaces proline, which is neutral and non-polar, with leucine, which is neutral and non-polar, at codon 1361 of the COL5A1 protein (p.Pro1361Leu). This variant is not present in population databases (gnomAD no frequency). This variant has not been reported in the literature in individuals affected with COL5A1-related conditions. ClinVar contains an entry for this variant (Variation ID: 2812095). Invitae Evidence Modeling of protein sequence and biophysical properties (such as structural, functional, and spatial information, amino acid conservation, physicochemical variation, residue mobility, and thermodynamic stability) indicates that this missense variant is not expected to disrupt COL5A1 protein function with a negative predictive value of 95%. In summary, the available evidence is currently insufficient to determine the role of this variant in disease. Therefore, it has been classified as a Variant of Uncertain Significance.

NM_000093.5(COL5A1):c.4082C>T (p.Pro1361Leu)

Gene: COL5A1 (collagen type V alpha 1 chain; plus strand). Cytogenetic location: 9q34.3.
Variant type: single nucleotide variant.
Coding change: c.4082C>T on transcript NM_000093.5 (MANE Select); coding-DNA position 4082, C replaced by T.
Protein change: p.Pro1361Leu; replaces proline 1361 with leucine.
Molecular consequence: missense variant.
Genome position (GRCh38, 1-based): chr9:134,815,948, C>T. VCF-style: chr9-134815948-C-T. GRCh37 (hg19) VCF-style: chr9-137707794-C-T.
Other names: c.4082C>T, p.Pro1361Leu (NM_001278074.1); short protein forms P1361L.
Identifiers: ClinVar variation 2812095 (VCV002812095.3), dbSNP rs2490836642, ClinGen allele CA375456350.